The following is an entry in ClinVar:

ClinVar aggregate classification (germline): Uncertain significance (1 of 4 stars; one submission).

Submission:

Labcorp Genetics (formerly Invitae), Labcorp
Classification: Uncertain significance. Last evaluated: 2025-08-01. Review status: criteria provided, single submitter. Criteria: Invitae Variant Classification Sherloc (09022015). Collection method: clinical testing. Allele origin: germline.
Comment: This sequence change affects a donor splice site in intron 5 of the KIF20A gene. It is expected to disrupt RNA splicing. Variants that disrupt the donor or acceptor splice site typically lead to a loss of protein function (PMID: 16199547), however the current clinical and genetic evidence is not sufficient to establish whether loss-of-function variants in KIF20A cause disease. This variant is not present in population databases (gnomAD no frequency). This variant has not been reported in the literature in individuals affected with KIF20A-related conditions. Algorithms developed to predict the effect of sequence changes on RNA splicing suggest that this variant may disrupt the consensus splice site. In summary, the available evidence is currently insufficient to determine the role of this variant in disease. Therefore, it has been classified as a Variant of Uncertain Significance.

Literature cited by the submitters: PubMed 16199547.

NM_005733.3(KIF20A):c.514+1G>A

Gene: KIF20A (kinesin family member 20A; plus strand). Cytogenetic location: 5q31.2.
Variant type: single nucleotide variant.
Coding change: c.514+1G>A on transcript NM_005733.3 (MANE Select); the canonical splice donor site of the intron after coding-DNA position 514, G replaced by A.
Molecular consequence: splice donor variant.
Genome position (GRCh38, 1-based): chr5:138,182,462, G>A. VCF-style: chr5-138182462-G-A. GRCh37 (hg19) VCF-style: chr5-137518151-G-A.
Identifiers: ClinVar variation 4811656 (VCV004811656.1).